The following is an entry in ClinVar:

NM_003242.6(TGFBR2):c.1243A>G (p.Asn415Asp)

Gene: TGFBR2 (transforming growth factor beta receptor 2; plus strand). Cytogenetic location: 3p24.1.
Variant type: single nucleotide variant.
Coding change: c.1243A>G on transcript NM_003242.6 (MANE Select); coding-DNA position 1243, A replaced by G.
Protein change: p.Asn415Asp; replaces asparagine 415 with aspartic acid.
Molecular consequence: missense variant. On other transcripts: intron variant (1).
Genome position (GRCh38, 1-based): chr3:30,672,426, A>G. VCF-style: chr3-30672426-A-G. GRCh37 (hg19) VCF-style: chr3-30713918-A-G.
Other names: c.1138A>G, p.Asn380Asp (NM_001407136.1, NM_001407135.1, NM_001407132.1 and 2 more transcripts); c.958A>G, p.Asn320Asp (NM_001407137.1); c.883A>G, p.Asn295Asp (NM_001407138.1); c.530-15961A>G (NM_001407139.1); c.1318A>G, p.Asn440Asp (NM_001024847.3); c.1426A>G, p.Asn476Asp (NM_001407126.1); c.1351A>G, p.Asn451Asp (NM_001407127.1); c.1270A>G, p.Asn424Asp (NM_001407128.1); and 2 more; short protein forms N295D, N320D, N380D, N415D, N416D, N424D, N440D, N451D.
Identifiers: ClinVar variation 3071325 (VCV003071325.3), dbSNP rs2125437107, ClinGen allele CA351808831.

ClinVar aggregate classification (germline): Uncertain significance. Review status: criteria provided, multiple submitters, no conflicts (2 of 4 stars). 2 submissions from 2 submitters: Uncertain significance (2). Last evaluated 2024-11-19.

Conditions:
Loeys-Dietz syndrome 2 (LDS2). Also called: TGFBR2-Related Loeys-Dietz Syndrome; AORTIC ANEURYSM, FAMILIAL THORACIC 3; MARFAN SYNDROME, TYPE II; Marfan syndrome, type 2 (formerly); Marfan Syndrome type 2; Marfan like connective tissue disorder. Identifiers: Orphanet 284973, Orphanet 558, MedGen C2674574, MONDO:0012427, OMIM 610168.
Familial thoracic aortic aneurysm and aortic dissection (TAAD). Also called: Thoracic aortic aneurysms and dissections. Identifiers: Orphanet 91387, MedGen C4707243, MONDO:0019625.

Submissions (2):

Labcorp Genetics (formerly Invitae), Labcorp
Classification: Uncertain significance for Familial thoracic aortic aneurysm and aortic dissection. Last evaluated: 2024-11-19. Review status: criteria provided, single submitter. Criteria: Invitae Variant Classification Sherloc (09022015). Collection method: clinical testing. Allele origin: germline.
Comment: This sequence change replaces asparagine, which is neutral and polar, with aspartic acid, which is acidic and polar, at codon 415 of the TGFBR2 protein (p.Asn415Asp). This variant is not present in population databases (gnomAD no frequency). This variant has not been reported in the literature in individuals affected with TGFBR2-related conditions. ClinVar contains an entry for this variant (Variation ID: 3071325). Invitae Evidence Modeling of protein sequence and biophysical properties (such as structural, functional, and spatial information, amino acid conservation, physicochemical variation, residue mobility, and thermodynamic stability) has been performed for this missense variant. However, the output from this modeling did not meet the statistical confidence thresholds required to predict the impact of this variant on TGFBR2 protein function. In summary, the available evidence is currently insufficient to determine the role of this variant in disease. Therefore, it has been classified as a Variant of Uncertain Significance.

All of Us Research Program, National Institutes of Health
Classification: Uncertain significance for Loeys-Dietz syndrome 2. Last evaluated: 2023-05-31. Review status: criteria provided, single submitter. Criteria: ACMG Guidelines, 2015. Collection method: clinical testing. Allele origin: germline. Inheritance: Autosomal dominant inheritance. Observed: 1 variant allele, 1 heterozygote.
Comment: This study involves interpretation of variants in research participants for the purpose of population health screening. Participant phenotype was not available at the time of variant classification. Additional details can be found in publication PMID: 35346344, PMCID: PMC8962531